The following is an entry in ClinVar:

NM_001379081.2(FREM1):c.829-1G>C

Gene: FREM1 (FRAS1 related extracellular matrix 1; minus strand). Cytogenetic location: 9p22.3.
Variant type: single nucleotide variant.
Coding change: c.829-1G>C on transcript NM_001379081.2 (MANE Select); the canonical splice acceptor site of the intron before coding-DNA position 829, G replaced by C.
Molecular consequence: splice acceptor variant.
Genome position (GRCh38, 1-based): chr9:14,851,608, C>G on the plus strand (G>C on the coding strand, the complement: FREM1 is on the minus strand). VCF-style: chr9-14851608-C-G. GRCh37 (hg19) VCF-style: chr9-14851606-C-G.
Other names: c.829-1G>C (NM_144966.7, NM_001370065.1, NM_001370063.1); c.856-1G>C (NM_001370060.1).
Identifiers: ClinVar variation 1496598 (VCV001496598.6), dbSNP rs1244506651, ClinGen allele CA372962662.

ClinVar aggregate classification (germline): Likely pathogenic (1 of 4 stars; one submission).

Allele frequency attached by ClinVar (database versions not stated): gnomAD exomes below 0.00001; TOPMed below 0.00001; gnomAD 0.00001.
gnomAD v4.1: 2 of 1,608,406 alleles (0.00012%); highest among the groups gnomAD compares: African/African-American, 0.0013%; no homozygotes.

Submission:

Labcorp Genetics (formerly Invitae), Labcorp
Classification: Likely pathogenic. Last evaluated: 2021-12-10. Review status: criteria provided, single submitter. Criteria: Invitae Variant Classification Sherloc (09022015). Collection method: clinical testing. Allele origin: germline.
Comment: This variant is present in population databases (no rsID available, gnomAD 0.004%). This sequence change affects an acceptor splice site in intron 6 of the FREM1 gene. It is expected to disrupt RNA splicing. Variants that disrupt the donor or acceptor splice site typically lead to a loss of protein function (PMID: 16199547), and loss-of-function variants in FREM1 are known to be pathogenic (PMID: 19732862, 21507892). In summary, the currently available evidence indicates that the variant is pathogenic, but additional data are needed to prove that conclusively. Therefore, this variant has been classified as Likely Pathogenic. This variant has not been reported in the literature in individuals affected with FREM1-related conditions. Algorithms developed to predict the effect of sequence changes on RNA splicing suggest that this variant may disrupt the consensus splice site.

Literature cited by the submitters: PubMed 16199547; PubMed 19732862; PubMed 21507892.